The following is an entry in ClinVar:

NM_018417.6(ADCY10):c.2548C>A (p.Pro850Thr)

Gene: ADCY10 (adenylate cyclase 10; minus strand). Cytogenetic location: 1q24.2.
Variant type: single nucleotide variant.
Coding change: c.2548C>A on transcript NM_018417.6 (MANE Select); coding-DNA position 2548, C replaced by A.
Protein change: p.Pro850Thr; replaces proline 850 with threonine.
Molecular consequence: missense variant.
Genome position (GRCh38, 1-based): chr1:167,846,153, G>T on the plus strand (C>A on the coding strand, the complement: ADCY10 is on the minus strand). VCF-style: chr1-167846153-G-T. GRCh37 (hg19) VCF-style: chr1-167815391-G-T.
Other names: c.2089C>A, p.Pro697Thr (NM_001167749.3); c.2272C>A, p.Pro758Thr (NM_001297772.2); short protein forms P850T, P758T, P697T.
Identifiers: ClinVar variation 1966854 (VCV001966854.5), dbSNP rs752405771, ClinGen allele CA1227606.

ClinVar aggregate classification (germline): Uncertain significance (1 of 4 stars; one submission).

Allele frequency attached by ClinVar (database versions not stated): ExAC 0.00001.

Submission:

Labcorp Genetics (formerly Invitae), Labcorp
Classification: Uncertain significance. Last evaluated: 2021-12-19. Review status: criteria provided, single submitter. Criteria: Invitae Variant Classification Sherloc (09022015). Collection method: clinical testing. Allele origin: germline.
Comment: In summary, the available evidence is currently insufficient to determine the role of this variant in disease. Therefore, it has been classified as a Variant of Uncertain Significance. Algorithms developed to predict the effect of missense changes on protein structure and function are either unavailable or do not agree on the potential impact of this missense change (SIFT: "Deleterious"; PolyPhen-2: "Possibly Damaging"; Align-GVGD: "Class C0"). This variant has not been reported in the literature in individuals affected with ADCY10-related conditions. This variant is present in population databases (rs752405771, gnomAD 0.003%). This sequence change replaces proline, which is neutral and non-polar, with threonine, which is neutral and polar, at codon 850 of the ADCY10 protein (p.Pro850Thr).